The following is an entry in ClinVar:

ClinVar aggregate classification (germline): Benign/Likely benign. Review status: criteria provided, multiple submitters, no conflicts (2 of 4 stars). 8 submissions from 8 submitters: Benign (2); Likely benign (6). Last evaluated 2026-01-05.

Conditions:
Hereditary cancer-predisposing syndrome. Also called: Tumor predisposition; Hereditary Cancer Syndrome; Hereditary neoplastic syndrome; Neoplastic Syndromes, Hereditary. Identifiers: Orphanet 140162, MedGen C0027672, MeSH D009386, MONDO:0015356.
Oligodontia-cancer predisposition syndrome. Also called: TOOTH AGENESIS-COLORECTAL CANCER SYNDROME. Identifiers: Orphanet 300576, MedGen C1837750, MONDO:0012075, OMIM 608615. Disease mechanism: loss of function.

Allele frequency attached by ClinVar (database versions not stated): TOPMed 0.00003; gnomAD exomes 0.00005 and 0.00006; ESP Exome Variant Server 0.00008; ExAC 0.00010; gnomAD 0.00013.
gnomAD v4.1: 93 of 1,607,598 alleles (0.0058%); highest among the groups gnomAD compares: Non-Finnish European, 0.0077%; no homozygotes.

Submissions (8):

Labcorp Genetics (formerly Invitae), Labcorp
Classification: Likely benign for Oligodontia-cancer predisposition syndrome. Last evaluated: 2026-01-05. Review status: criteria provided, single submitter. Criteria: Invitae Variant Classification Sherloc (09022015). Collection method: clinical testing. Allele origin: germline.

Center for Genomic Medicine, Rigshospitalet, Copenhagen University Hospital
Classification: Likely benign. Last evaluated: 2025-03-04. Review status: criteria provided, single submitter. Criteria: ACMG Guidelines, 2015. Collection method: clinical testing. Allele origin: germline.

Laboratory of Genetics, Children's Clinical University Hospital Latvia
Classification: Likely benign. Last evaluated: 2025-02-16. Review status: criteria provided, single submitter. Criteria: ACMG Guidelines, 2015. Collection method: clinical testing. Allele origin: germline. Affected: yes.

Blueprint Genetics
Classification: Likely benign. Last evaluated: 2024-09-20. Review status: criteria provided, single submitter. Criteria: ACMG Guidelines, 2015. Collection method: clinical testing. Allele origin: germline.

Sema4
Classification: Likely benign for Hereditary cancer-predisposing syndrome. Last evaluated: 2020-05-29. Review status: criteria provided, single submitter. Criteria: Sema4 Curation Guidelines. Collection method: curation. Allele origin: germline.

Ambry Genetics
Classification: Likely benign for Hereditary cancer-predisposing syndrome. Last evaluated: 2020-02-03. Review status: criteria provided, single submitter. Criteria: Ambry Variant Classification Scheme 2023. Collection method: clinical testing. Allele origin: germline.

Illumina Laboratory Services, Illumina
Classification: Benign for Oligodontia-cancer predisposition syndrome. Last evaluated: 2018-01-13. Review status: criteria provided, single submitter. Criteria: ICSL Variant Classification Criteria 13 December 2019. Collection method: clinical testing. Allele origin: germline.
Comment: This variant was observed in the ICSL laboratory as part of a predisposition screen in an ostensibly healthy population. It had not been previously curated by ICSL or reported in the Human Gene Mutation Database (HGMD: prior to June 1st, 2018), and was therefore a candidate for classification through an automated scoring system. Utilizing variant allele frequency, disease prevalence and penetrance estimates, and inheritance mode, an automated score was calculated to assess if this variant is too frequent to cause the disease. Based on the score and internal cut-off values, a variant classified as benign is not then subjected to further curation. The score for this variant resulted in a classification of benign for this disease.

GeneDx
Classification: Benign. Last evaluated: 2014-10-01. Review status: criteria provided, single submitter. Criteria: GeneDx Variant Classification (06012015). Collection method: clinical testing. Allele origin: germline. Affected: yes.
Comment: This variant is considered likely benign or benign based on one or more of the following criteria: it is a conservative change, it occurs at a poorly conserved position in the protein, it is predicted to be benign by multiple in silico algorithms, and/or has population frequency not consistent with disease.

NM_004655.4(AXIN2):c.144C>T (p.Pro48=)

Gene: AXIN2 (axin 2; minus strand). Cytogenetic location: 17q24.1.
Variant type: single nucleotide variant.
Coding change: c.144C>T on transcript NM_004655.4 (MANE Select); coding-DNA position 144, C replaced by T.
Protein change: p.Pro48=; no amino-acid change (proline 48 retained).
Molecular consequence: synonymous variant.
Genome position (GRCh38, 1-based): chr17:65,558,477, G>A on the plus strand (C>T on the coding strand, the complement: AXIN2 is on the minus strand). VCF-style: chr17-65558477-G-A. GRCh37 (hg19) VCF-style: chr17-63554595-G-A.
Other names: p.P48P:CCC>CCT; c.144C>T (LRG_296t1); c.144C>T, p.Pro48= (NM_001363813.1).
Identifiers: ClinVar variation 182017 (VCV000182017.22), dbSNP rs144099816, ClinGen allele CA298412.